The following is an entry in ClinVar:

NM_024753.5(TTC21B):c.2495G>A (p.Arg832His)

Gene: TTC21B (tetratricopeptide repeat domain 21B; minus strand). Cytogenetic location: 2q24.3.
Variant type: single nucleotide variant.
Coding change: c.2495G>A on transcript NM_024753.5 (MANE Select); coding-DNA position 2495, G replaced by A.
Protein change: p.Arg832His; replaces arginine 832 with histidine.
Molecular consequence: missense variant.
Genome position (GRCh38, 1-based): chr2:165,907,751, C>T on the plus strand (G>A on the coding strand, the complement: TTC21B is on the minus strand). VCF-style: chr2-165907751-C-T. GRCh37 (hg19) VCF-style: chr2-166764261-C-T.
Other names: c.2495G>A (NM_024753.4, NM_024753.3); short protein forms R832H.
Identifiers: ClinVar variation 1512176 (VCV001512176.6), dbSNP rs145412117, ClinGen allele CA1941814.

ClinVar aggregate classification (germline): Uncertain significance. Review status: criteria provided, multiple submitters, no conflicts (2 of 4 stars). 3 submissions from 3 submitters: Uncertain significance (3). Last evaluated 2026-09-16.

Conditions:
Nephronophthisis. Also called: Juvenile Nephronophthisis. Identifiers: Orphanet 655, MedGen C0687120, MONDO:0019005, HP:0000090.
Jeune thoracic dystrophy. Also called: Short-rib thoracic dysplasia; Jeune syndrome; Infantile thoracic dystrophy; Thoracic pelvic phalangeal dystrophy; Jeune's syndrome; Chondroectodermal dysplasia-like syndrome. Identifiers: Orphanet 474, MedGen C0265275, MONDO:0018770.
TTC21B-related disorder. Also called: TTC21B-related condition; TTC21B-related disorders.
Inborn genetic diseases. Identifiers: MedGen C0950123, MeSH D030342.

Allele frequency attached by ClinVar (database versions not stated): ExAC 0.00002; gnomAD 0.00002 and 0.00003; gnomAD exomes 0.00002; TOPMed 0.00003; ESP Exome Variant Server 0.00008.
gnomAD v4.1: 17 of 1,612,908 alleles (0.0011%); highest among the groups gnomAD compares: East Asian, 0.0067%; no homozygotes.

Submissions (3):

PreventionGenetics, part of Exact Sciences
Classification: Uncertain significance for TTC21B-related condition. Last evaluated: 2026-09-16. Review status: criteria provided, single submitter. Criteria: ACMG Guidelines, 2015. Collection method: clinical testing. Allele origin: germline.
Comment: The TTC21B c.2495G>A variant is predicted to result in the amino acid substitution p.Arg832His. To our knowledge, this variant has not been reported in the literature. This variant is reported in 0.0065% of alleles in individuals of South Asian descent in gnomAD. At this time, the clinical significance of this variant is uncertain due to the absence of conclusive functional and genetic evidence.

Ambry Genetics
Classification: Uncertain significance for Inborn genetic diseases. Last evaluated: 2025-02-07. Review status: criteria provided, single submitter. Criteria: Ambry Variant Classification Scheme 2023. Collection method: clinical testing. Allele origin: germline.

Labcorp Genetics (formerly Invitae), Labcorp
Classification: Uncertain significance for Jeune thoracic dystrophy; Nephronophthisis. Last evaluated: 2022-08-03. Review status: criteria provided, single submitter. Criteria: Invitae Variant Classification Sherloc (09022015). Collection method: clinical testing. Allele origin: germline.
Comment: In summary, the available evidence is currently insufficient to determine the role of this variant in disease. Therefore, it has been classified as a Variant of Uncertain Significance. This sequence change replaces arginine, which is basic and polar, with histidine, which is basic and polar, at codon 832 of the TTC21B protein (p.Arg832His). This variant is present in population databases (rs145412117, gnomAD 0.006%). This variant has not been reported in the literature in individuals affected with TTC21B-related conditions. ClinVar contains an entry for this variant (Variation ID: 1512176). Algorithms developed to predict the effect of missense changes on protein structure and function are either unavailable or do not agree on the potential impact of this missense change (SIFT: "Deleterious"; PolyPhen-2: "Benign"; Align-GVGD: "Class C0").